The following is an entry in ClinVar:

NM_001165963.4(SCN1A):c.1512A>C (p.Arg504Ser)

Gene: SCN1A (sodium voltage-gated channel alpha subunit 1; minus strand). Cytogenetic location: 2q24.3.
Variant type: single nucleotide variant.
Coding change: c.1512A>C on transcript NM_001165963.4 (MANE Select); coding-DNA position 1512, A replaced by C.
Protein change: p.Arg504Ser; replaces arginine 504 with serine.
Molecular consequence: missense variant. On other transcripts: 5 prime UTR variant (1), non-coding transcript variant (1).
Genome position (GRCh38, 1-based): chr2:166,045,193, T>G on the plus strand (A>C on the coding strand, the complement: SCN1A is on the minus strand). VCF-style: chr2-166045193-T-G. GRCh37 (hg19) VCF-style: chr2-166901703-T-G.
Other names: c.1512A>C, p.Arg504Ser (NM_001165964.3, NM_001202435.3, NM_001353948.2 and 7 more transcripts); c.1509A>C, p.Arg503Ser (NM_001353954.2, NM_001353955.2, NM_001353960.2); c.-914A>C (NM_001353961.2); short protein forms R504S, R503S.
Identifiers: ClinVar variation 1366896 (VCV001366896.9), dbSNP rs1233541206, ClinGen allele CA349069547.

ClinVar aggregate classification (germline): Uncertain significance (1 of 4 stars; one submission).

Conditions:
Early-infantile DEE. Also called: Early infantile epileptic encephalopathy with suppression bursts; Early infantile epileptic encephalopathy; Ohtahara syndrome. Identifiers: Orphanet 1934, MedGen C0393706, MONDO:0800491.

Submission:

Labcorp Genetics (formerly Invitae), Labcorp
Classification: Uncertain significance for Early-infantile DEE. Last evaluated: 2021-05-09. Review status: criteria provided, single submitter. Criteria: Invitae Variant Classification Sherloc (09022015). Collection method: clinical testing. Allele origin: germline.
Comment: This variant is not present in population databases (ExAC no frequency). This sequence change replaces arginine with serine at codon 504 of the SCN1A protein (p.Arg504Ser). The arginine residue is highly conserved and there is a moderate physicochemical difference between arginine and serine. This variant has not been reported in the literature in individuals with SCN1A-related conditions. Algorithms developed to predict the effect of missense changes on protein structure and function are either unavailable or do not agree on the potential impact of this missense change (SIFT: "Deleterious"; PolyPhen-2: "Benign"; Align-GVGD: "Class C65"). In summary, the available evidence is currently insufficient to determine the role of this variant in disease. Therefore, it has been classified as a Variant of Uncertain Significance.